The following is an entry in ClinVar:

ClinVar aggregate classification (germline): Uncertain significance (1 of 4 stars; one submission).

Conditions:
Neuronal ceroid lipofuscinosis 7 (CLN7). Also called: MFSD8-Related Neuronal Ceroid-Lipofuscinosis. Identifiers: Orphanet 168491, Orphanet 228366, MedGen C1838571, MONDO:0012588, OMIM 610951.

Allele frequency attached by ClinVar (database versions not stated): gnomAD exomes 0.00001; TOPMed 0.00001.
gnomAD v4.1: 17 of 1,613,512 alleles (0.0011%); highest among the groups gnomAD compares: Non-Finnish European, 0.0014%; no homozygotes.

Submission:

Labcorp Genetics (formerly Invitae), Labcorp
Classification: Uncertain significance for Neuronal ceroid lipofuscinosis 7. Last evaluated: 2021-08-31. Review status: criteria provided, single submitter. Criteria: Invitae Variant Classification Sherloc (09022015). Collection method: clinical testing. Allele origin: germline.
Comment: This sequence change replaces alanine with valine at codon 257 of the MFSD8 protein (p.Ala257Val). The alanine residue is weakly conserved and there is a small physicochemical difference between alanine and valine. This variant is not present in population databases (ExAC no frequency). This variant has not been reported in the literature in individuals affected with MFSD8-related conditions. Algorithms developed to predict the effect of missense changes on protein structure and function output the following: SIFT: "Tolerated"; PolyPhen-2: "Benign"; Align-GVGD: "Class C0". The valine amino acid residue is found in multiple mammalian species, which suggests that this missense change does not adversely affect protein function. In summary, the available evidence is currently insufficient to determine the role of this variant in disease. Therefore, it has been classified as a Variant of Uncertain Significance.

NM_001371596.2(MFSD8):c.770C>T (p.Ala257Val)

Gene: MFSD8 (major facilitator superfamily domain containing 8; minus strand). Cytogenetic location: 4q28.2.
Variant type: single nucleotide variant.
Coding change: c.770C>T on transcript NM_001371596.2 (MANE Select); coding-DNA position 770, C replaced by T.
Protein change: p.Ala257Val; replaces alanine 257 with valine.
Molecular consequence: missense variant.
Genome position (GRCh38, 1-based): chr4:127,933,078, G>A on the plus strand (C>T on the coding strand, the complement: MFSD8 is on the minus strand). VCF-style: chr4-127933078-G-A. GRCh37 (hg19) VCF-style: chr4-128854233-G-A.
Other names: c.320C>T, p.Ala107Val (NM_001410765.1); c.656C>T, p.Ala219Val (NM_001410766.1, NM_001371593.2); c.770C>T, p.Ala257Val (NM_152778.4, NM_001371591.2); c.776C>T, p.Ala259Val (NM_001371592.2); c.569C>T, p.Ala190Val (NM_001363520.3); c.455C>T, p.Ala152Val (NM_001363521.3); c.635C>T, p.Ala212Val (NM_001371590.2); c.488C>T, p.Ala163Val (NM_001371595.1); and 1 more; short protein forms A152V, A163V, A190V, A212V, A219V, A259V, A208V, A257V.
Identifiers: ClinVar variation 937733 (VCV000937733.5), dbSNP rs1300137848, ClinGen allele CA358174781.